The following is an entry in ClinVar:

NM_001267550.2(TTN):c.107817T>G (p.Ser35939Arg)

Genes: TTN-AS1 (TTN antisense RNA 1; plus strand), TTN (titin; minus strand). Cytogenetic location: 2q31.2.
Variant type: single nucleotide variant.
Coding change: c.107817T>G on transcript NM_001267550.2 (MANE Select); coding-DNA position 107817, T replaced by G.
Protein change: p.Ser35939Arg; replaces serine 35939 with arginine.
Molecular consequence: missense variant.
Genome position (GRCh38, 1-based): chr2:178,527,171, A>C on the plus strand (T>G on the coding strand, the complement: TTN is on the minus strand). VCF-style: chr2-178527171-A-C. GRCh37 (hg19) VCF-style: chr2-179391898-A-C.
Other names: c.102894T>G, p.Ser34298Arg (NM_001256850.1); c.80622T>G, p.Ser26874Arg (NM_003319.4); c.100113T>G, p.Ser33371Arg (NM_133378.4); c.80997T>G, p.Ser26999Arg (NM_133432.3); c.81198T>G, p.Ser27066Arg (NM_133437.4); short protein forms S26874R, S35939R, S27066R, S26999R, S33371R, S34298R.
Identifiers: ClinVar variation 2939591 (VCV002939591.2), dbSNP rs1575170120, ClinGen allele CA349398866.

ClinVar aggregate classification (germline): Uncertain significance (1 of 4 stars; one submission).

Conditions:
Dilated cardiomyopathy 1G (CMD1G). Identifiers: Orphanet 154, MedGen C1858763, MONDO:0011400, OMIM 604145.
Autosomal recessive limb-girdle muscular dystrophy type 2J (LGMDR10). Also called: Limb-girdle muscular dystrophy, type 2J; MUSCULAR DYSTROPHY, LIMB-GIRDLE, AUTOSOMAL RECESSIVE 10. Identifiers: Orphanet 140922, MedGen C1837342, MONDO:0012127, OMIM 608807.

Submission:

Labcorp Genetics (formerly Invitae), Labcorp
Classification: Uncertain significance for Dilated cardiomyopathy 1G; Autosomal recessive limb-girdle muscular dystrophy type 2J. Last evaluated: 2023-05-15. Review status: criteria provided, single submitter. Criteria: Invitae Variant Classification Sherloc (09022015). Collection method: clinical testing. Allele origin: germline.
Comment: This variant is located in the M band of TTN (PMID: 25589632). Variants in this region may be relevant for neuromuscular disorders, but have not been definitively shown to cause cardiomyopathy (PMID: 23975875). This variant has not been reported in the literature in individuals affected with TTN-related conditions. This sequence change replaces serine, which is neutral and polar, with arginine, which is basic and polar, at codon 35939 of the TTN protein (p.Ser35939Arg). This variant is not present in population databases (gnomAD no frequency). Experimental studies and prediction algorithms are not available or were not evaluated, and the functional significance of this variant is currently unknown. In summary, the available evidence is currently insufficient to determine the role of this variant in disease. Therefore, it has been classified as a Variant of Uncertain Significance.

Literature cited by the submitters: PubMed 25589632; PubMed 23975875.